The following is an entry in ClinVar:

NM_130468.4(CHST14):c.92G>A (p.Arg31Gln)

Genes: CHST14 (carbohydrate sulfotransferase 14; plus strand), LOC130056851 (ATAC-STARR-seq lymphoblastoid silent region 6336; plus strand). Cytogenetic location: 15q15.1.
Variant type: single nucleotide variant.
Coding change: c.92G>A on transcript NM_130468.4 (MANE Select); coding-DNA position 92, G replaced by A.
Protein change: p.Arg31Gln; replaces arginine 31 with glutamine.
Molecular consequence: missense variant.
Genome position (GRCh38, 1-based): chr15:40,471,305, G>A. VCF-style: chr15-40471305-G-A. GRCh37 (hg19) VCF-style: chr15-40763504-G-A.
Other names: short protein forms R31Q.
Identifiers: ClinVar variation 5034597 (VCV005034597.1).

ClinVar aggregate classification (germline): Uncertain significance (1 of 4 stars; one submission).

Conditions:
Cardiovascular phenotype. Identifiers: MedGen CN230736.

gnomAD v4.1: 4 of 1,533,186 alleles (0.00026%); highest among the groups gnomAD compares: South Asian, 0.0024%; no homozygotes.

Submission:

Ambry Genetics
Classification: Uncertain significance for Cardiovascular phenotype. Last evaluated: 2026-08-24. Review status: criteria provided, single submitter. Criteria: Ambry Variant Classification Scheme 2023. Collection method: clinical testing. Allele origin: germline.
Comment: The p.R31Q variant (also known as c.92G>A), located in coding exon 1 of the CHST14 gene, results from a G to A substitution at nucleotide position 92. The arginine at codon 31 is replaced by glutamine, an amino acid with highly similar properties. This amino acid position is conserved. In addition, this alteration is predicted to be tolerated by in silico analysis. Based on the available evidence, the clinical significance of this variant remains unclear.